The following is an entry in ClinVar:

NM_152564.5(VPS13B):c.6473C>G (p.Ser2158Ter)

Gene: VPS13B (vacuolar protein sorting 13 homolog B; plus strand). Cytogenetic location: 8q22.2.
Variant type: single nucleotide variant.
Coding change: c.6473C>G on transcript NM_152564.5 (MANE Select); coding-DNA position 6473, C replaced by G.
Protein change: p.Ser2158Ter; replaces serine 2158 with a stop codon.
Molecular consequence: nonsense.
Genome position (GRCh38, 1-based): chr8:99,717,189, C>G. VCF-style: chr8-99717189-C-G. GRCh37 (hg19) VCF-style: chr8-100729417-C-G.
Other names: c.6548C>G, p.Ser2183Ter (NM_017890.5); short protein forms S2158*, S2183*.
Identifiers: ClinVar variation 1726276 (VCV001726276.2), dbSNP rs760207157, ClinGen allele CA4824011.

ClinVar aggregate classification (germline): Likely pathogenic (1 of 4 stars; one submission).

Conditions:
Cohen syndrome (COH1). Also called: PEPPER SYNDROME; Cutis verticis gyrata, retinitis pigmentosa, and sensorineural deafness. Identifiers: Orphanet 193, MedGen C0265223, MONDO:0008999, OMIM 216550.

Allele frequency attached by ClinVar (database versions not stated): gnomAD exomes below 0.00001; ExAC 0.00001.
gnomAD v4.1: 1 of 1,613,392 alleles (0.000062%); highest among the groups gnomAD compares: Admixed American, 0.0017%; no homozygotes.

Submission:

Myriad Genetics, Inc.
Classification: Likely pathogenic for Cohen syndrome. Last evaluated: 2021-12-10. Review status: criteria provided, single submitter. Criteria: Myriad Women's Health Autosomal Recessive and X-Linked Classification Criteria (2021). Collection method: clinical testing. Allele origin: unknown.
Comment: NM_017890.4(VPS13B):c.6548C>G(S2183*) is expected to be pathogenic in the context of Cohen syndrome. This variant is predicted to lead to an abnormal or absent protein product due to the creation of a premature termination codon in VPS13B, a gene where loss-of-function variants are known to be pathogenic. Please note: this variant was assessed in the context of healthy population screening.